The following is an entry in ClinVar:

ClinVar aggregate classification (germline): Uncertain significance (1 of 4 stars; one submission).

Conditions:
Nager syndrome (AFD1). Also called: Acrofacial Dysostosis 1, Nager Type; MANDIBULOFACIAL DYSOSTOSIS, TREACHER COLLINS TYPE, WITH LIMB ANOMALIES; Nager acrofacial dysostosis; Nager acrofacial dysostosis syndrome. Identifiers: Orphanet 245, MedGen C0265245, MONDO:0007943, OMIM 154400.

gnomAD v4.1: 3 of 1,560,920 alleles (0.00019%); highest among the groups gnomAD compares: Non-Finnish European, 0.00026%; no homozygotes.

Submission:

Molecular Genetics, Royal Melbourne Hospital
Classification: Uncertain significance for Nager syndrome. Last evaluated: 2022-11-03. Review status: criteria provided, single submitter. Criteria: ACMG Guidelines, 2015. Collection method: clinical testing. Allele origin: germline.
Comment: This sequence change in SF3B4 is predicted to replace valine with alanine at codon 412, p.(Val412Ala). The valine residue is moderately conserved (100 vertebrates, UCSC), and is not located in an annotated domain. There is a moderate physicochemical difference between valine and alanine. SF3B4 is highly intolerant to missense variation, however no pathogenic missense have been reported (gnomAD v2.1; ClinVar). This variant is absent from the population database gnomAD v2.1 and v3.1. To our knowledge, this variant has not been reported in the relevant literature or databases. Multiple lines of computational evidence have conflicting predictions for the missense substitution (5/6 algorithms predict benign). Based on the classification scheme RMH Modified ACMG Guidelines v1.5.1, this variant is classified as a VARIANT OF UNCERTAIN SIGNIFICANCE. Following criteria are met: PM2_Supporting, PP2.

NM_005850.5(SF3B4):c.1235T>C (p.Val412Ala)

Gene: SF3B4 (splicing factor 3b subunit 4; minus strand). Cytogenetic location: 1q21.2.
Variant type: single nucleotide variant.
Coding change: c.1235T>C on transcript NM_005850.5 (MANE Select); coding-DNA position 1235, T replaced by C.
Protein change: p.Val412Ala; replaces valine 412 with alanine.
Molecular consequence: missense variant.
Genome position (GRCh38, 1-based): chr1:149,923,582, A>G on the plus strand (T>C on the coding strand, the complement: SF3B4 is on the minus strand). VCF-style: chr1-149923582-A-G. GRCh37 (hg19) VCF-style: chr1-149895474-A-G.
Other names: short protein forms V412A.
Identifiers: ClinVar variation 3068612 (VCV003068612.1), dbSNP rs782479052, ClinGen allele CA342273182.